The following is an entry in ClinVar:

ClinVar aggregate classification (germline): Pathogenic. Review status: criteria provided, multiple submitters, no conflicts (2 of 4 stars). 3 submissions from 3 submitters: Pathogenic (2). 1 of the submissions does not count toward it. Last evaluated 2024-01-11.

Conditions:
Ornithine aminotransferase deficiency (GACR). Also called: HYPERORNITHINEMIA WITH GYRATE ATROPHY OF CHOROID AND RETINA; OAT DEFICIENCY; OKT DEFICIENCY; Ornithine ketoacid aminotransferase deficiency; Gyrate atrophy; Gyrate atrophy of choroid and retina. Identifiers: Orphanet 414, MedGen C0018425, MONDO:0009796, OMIM 258870.

Allele frequency attached by ClinVar (database versions not stated): gnomAD exomes below 0.00001; TOPMed below 0.00001.

Submissions (3):

Fulgent Genetics
Classification: Pathogenic for Ornithine aminotransferase deficiency. Last evaluated: 2024-01-11. Review status: criteria provided, single submitter. Criteria: ACMG Guidelines, 2015. Collection method: clinical testing. Allele origin: germline.

Labcorp Genetics (formerly Invitae), Labcorp
Classification: Pathogenic for Ornithine aminotransferase deficiency. Last evaluated: 2023-09-18. Review status: criteria provided, single submitter. Criteria: Invitae Variant Classification Sherloc (09022015). Collection method: clinical testing. Allele origin: germline.
Comment: ClinVar contains an entry for this variant (Variation ID: 146). Studies have shown that disruption of the initiator codon alters OAT gene expression (PMID: 1737786). For these reasons, this variant has been classified as Pathogenic. Disruption of the initiator codon has been observed in individual(s) with gyrate atrophy of choroid and retina (PMID: 3339136). It has also been observed to segregate with disease in related individuals. This sequence change affects the initiator methionine of the OAT mRNA. The next in-frame methionine is located at codon 139. This variant is not present in population databases (gnomAD no frequency).

OMIM
Classification: Pathogenic for GYRATE ATROPHY OF CHOROID AND RETINA. Last evaluated: 1991-02-01. Review status: no assertion criteria provided. Collection method: literature only. Allele origin: germline. Not counted in ClinVar's aggregate classification.

Literature cited by the submitters: PubMed 1737786 (cited by Labcorp Genetics (formerly Invitae), Labcorp); PubMed 3339136 (cited by Labcorp Genetics (formerly Invitae), Labcorp and OMIM); PubMed 1992472 (cited by OMIM).

NM_000274.4(OAT):c.3G>A (p.Met1Ile)

Gene: OAT (ornithine aminotransferase; minus strand). Cytogenetic location: 10q26.13.
Variant type: single nucleotide variant.
Coding change: c.3G>A on transcript NM_000274.4 (MANE Select); coding-DNA position 3, G replaced by A.
Protein change: p.Met1Ile; changes the start codon (methionine 1).
Molecular consequence: missense variant, initiator codon variant. On other transcripts: intron variant (2).
Genome position (GRCh38, 1-based): chr10:124,412,169, C>T on the plus strand (G>A on the coding strand, the complement: OAT is on the minus strand). VCF-style: chr10-124412169-C-T. GRCh37 (hg19) VCF-style: chr10-126100738-C-T.
Other names: c.3G>A, p.Met1Ile (NM_001322965.2, NM_001322966.2, NM_001322967.2 and 4 more transcripts); c.-215-3204G>A (NM_001171814.2); c.-515-3204G>A (NM_001322974.2); short protein forms M1I.
Identifiers: ClinVar variation 146 (VCV000000146.11), dbSNP rs121965034, ClinGen allele CA113913.
Genomic context (GRCh38, chr10:124,412,169, plus strand): 5'-TGAAGAATGAACTCCGCGACTAAGTACAGCAAACCTCTGCAAATGTGCTAGTTTGGAAAA[C>T]ATTGTGTCCTTCAAGTAGAAAAACCACAGATCTGTCCAAAGAAAAGAGAATGCATTAAGA-3'
Protein context (NP_000265.1, residues 1-11): [Met1Ile]FSKLAHLQRF